The following is an entry in ClinVar:

NM_001904.4(CTNNB1):c.113_119del (p.Gly38fs)

Genes: CTNNB1 (catenin beta 1; plus strand), LOC126806658 (BRD4-independent group 4 enhancer GRCh37_chr3:41265899-41267098; plus strand). Cytogenetic location: 3p22.1.
Variant type: Deletion.
Coding change: c.113_119del on transcript NM_001904.4 (MANE Select); coding-DNA positions 113 to 119, 7 bases deleted (GTGCCAC; older notation c.113_119delGTGCCAC).
Protein change: p.Gly38fs; shifts the reading frame from glycine 38.
Molecular consequence: frameshift variant.
Genome position (GRCh38, 1-based): chr3:41,224,625-41,224,631, GTGCCAC deleted. VCF-style (leftmost placement, unchanged base first): chr3-41224624-GGTGCCAC-G. GRCh37 (hg19) VCF-style: chr3-41266115-GGTGCCAC-G.
Other names: c.113_119del, p.Gly38fs (NM_001098209.2, NM_001098210.2); c.92_98del, p.Gly31fs (NM_001330729.2); short protein forms G31fs, G38fs.
Identifiers: ClinVar variation 3344825 (VCV003344825.1).

ClinVar aggregate classification (germline): Likely pathogenic (0 of 4 stars; one submission).

Conditions:
CTNNB1-related disorder. Also called: CTNNB1-related condition.

Submission:

PreventionGenetics, part of Exact Sciences
Classification: Likely pathogenic for CTNNB1-related condition. Last evaluated: 2024-05-08. Review status: no assertion criteria provided. Collection method: clinical testing. Allele origin: germline.
Comment: The CTNNB1 c.113_119del7 variant is predicted to result in a frameshift and premature protein termination (p.Gly38Valfs*7). To our knowledge, this variant has not been reported in the literature or in a large population database, indicating this variant is rare. Frameshift variants in CTNNB1 are expected to be pathogenic. This variant is interpreted as likely pathogenic.